The following is an entry in ClinVar:

ClinVar aggregate classification (germline): Likely pathogenic (1 of 4 stars; one submission).

Conditions:
Psychomotor regression-oculomotor apraxia-movement disorder-nephropathy syndrome (BILAPES). Also called: Birk-Landau-Perez syndrome. Identifiers: Orphanet 505242, MedGen C4539828, MONDO:0044726, OMIM 617595.

Submission:

3billion
Classification: Likely pathogenic for Psychomotor regression-oculomotor apraxia-movement disorder-nephropathy syndrome. Last evaluated: 2025-10-28. Review status: criteria provided, single submitter. Criteria: ACMG Guidelines, 2015. Collection method: clinical testing. Allele origin: germline. Affected: yes.
Comment: The variant is not observed in the gnomAD v4.1.0 dataset. Predicted Consequence/Location: Stop-gained (nonsense): predicted to result in a loss or disruption of normal protein function through nonsense-mediated decay (NMD) or protein truncation. Multiple pathogenic variants are reported downstream of the variant. In silico tools predict the variant to alter splicing and produce an abnormal transcript [SpliceAI: 0.48 (spliceogenicity >=0.2, non-spliceogenicity <0.1)]. Therefore, this variant is classified as Likely pathogenic according to the recommendation of ACMG/AMP guideline.

NM_006345.4(SLC30A9):c.1313C>A (p.Ser438Ter)

Gene: SLC30A9 (solute carrier family 30 member 9; plus strand). Cytogenetic location: 4p13.
Variant type: single nucleotide variant.
Coding change: c.1313C>A on transcript NM_006345.4 (MANE Select); coding-DNA position 1313, C replaced by A.
Protein change: p.Ser438Ter; replaces serine 438 with a stop codon.
Molecular consequence: nonsense.
Genome position (GRCh38, 1-based): chr4:42,070,586, C>A. VCF-style: chr4-42070586-C-A. GRCh37 (hg19) VCF-style: chr4-42072603-C-A.
Other names: short protein forms S438*.
Identifiers: ClinVar variation 4854461 (VCV004854461.1).
Genomic context (GRCh38, chr4:42,070,586, plus strand): 5'-GCAATCCACTGTATGACAGCCTAGGTTCTTTGGGTGTGGGCACCTTATTAGGCATGGTCT[C>A]AGCATTCCTCATCTACACTAACACAGAAGCACTCTTAGGGCGGTCCATCCAGCCAGAACA-3'